The following is an entry in ClinVar:

ClinVar aggregate classification (germline): Uncertain significance (1 of 4 stars; one submission).

Conditions:
Familial intrahepatic cholestasis. Identifiers: Orphanet 284385, MedGen CN296401, MONDO:0017290.

gnomAD v4.1: 9 of 1,613,980 alleles (0.00056%); highest among the groups gnomAD compares: South Asian, 0.0099%; no homozygotes.

Submission:

Genomenon, Inc
Classification: Uncertain significance for Familial intrahepatic cholestasis. Last evaluated: 2026-04-14. Review status: criteria provided, single submitter. Criteria: Genomenon Sequence Variant Interpretation Standards - Updated. Collection method: curation. Allele origin: germline. Affected: no.
Comment: ATP8B1 p.Thr1092Ile (c.3275C>T) is a missense variant that changes the amino acid at residue 1092 from Threonine to Isoleucine. This variant has been reported in the published literature (PMID:37208429). It is absent or not present at a significant frequency in gnomAD. In conclusion, we classify ATP8B1 p.Thr1092Ile (c.3275C>T) as a variant of uncertain significance.

Literature cited by the submitters: PubMed 37208429.

NM_001374385.1(ATP8B1):c.3275C>T (p.Thr1092Ile)

Genes: ATP8B1 (ATPase phospholipid transporting 8B1; minus strand), ATP8B1-AS1 (ATP8B1 antisense RNA 1; plus strand). Cytogenetic location: 18q21.31.
Variant type: single nucleotide variant.
Coding change: c.3275C>T on transcript NM_001374385.1 (MANE Select); coding-DNA position 3275, C replaced by T.
Protein change: p.Thr1092Ile; replaces threonine 1092 with isoleucine.
Molecular consequence: missense variant.
Genome position (GRCh38, 1-based): chr18:57,652,159, G>A on the plus strand (C>T on the coding strand, the complement: ATP8B1 is on the minus strand). VCF-style: chr18-57652159-G-A. GRCh37 (hg19) VCF-style: chr18-55319391-G-A.
Other names: c.3125C>T, p.Thr1042Ile (NM_001374386.1); c.3275C>T, p.Thr1092Ile (NM_005603.6); short protein forms T1042I, T1092I.
Identifiers: ClinVar variation 4846291 (VCV004846291.1).
Genomic context (GRCh38, chr18:57,652,159, plus strand): 5'-CCAAAATAAAGTGCAATGCTTCCAAAAATTGAAAAAGCATTCACAAAAGTCCAATAAGAA[G>A]TATCCAAGCCAATCTGTTGGGAAACCAGAGAAAAACAGAGCACTCATTTTGGGGAGTTAG-3'
Protein context (NP_001361314.1, residues 1082-1102): ITVNFQIGLD[Thr1092Ile]SYWTFVNAFS